The following is an entry in ClinVar:

ClinVar aggregate classification (germline): Likely benign (0 of 4 stars; one submission).

Conditions:
ADAMTS9-related disorder. Also called: ADAMTS9-related condition.

Allele frequency attached by ClinVar (database versions not stated): TOPMed below 0.00001; ExAC 0.00001; gnomAD 0.00001; gnomAD exomes 0.00001.
gnomAD v4.1: 5 of 1,612,140 alleles (0.00031%); highest among the groups gnomAD compares: Admixed American, 0.0084%; no homozygotes.

Submission:

PreventionGenetics, part of Exact Sciences
Classification: Likely benign for ADAMTS9-related condition. Last evaluated: 2020-01-02. Review status: no assertion criteria provided. Collection method: clinical testing. Allele origin: germline.
Comment: This variant is classified as likely benign based on ACMG/AMP sequence variant interpretation guidelines (Richards et al. 2015 PMID: 25741868, with internal and published modifications).

NM_182920.2(ADAMTS9):c.2184A>C (p.Gly728=)

Gene: ADAMTS9 (ADAM metallopeptidase with thrombospondin type 1 motif 9; minus strand). Cytogenetic location: 3p14.1.
Variant type: single nucleotide variant.
Coding change: c.2184A>C on transcript NM_182920.2 (MANE Select); coding-DNA position 2184, A replaced by C.
Protein change: p.Gly728=; no amino-acid change (glycine 728 retained).
Molecular consequence: synonymous variant.
Genome position (GRCh38, 1-based): chr3:64,631,917, T>G on the plus strand (A>C on the coding strand, the complement: ADAMTS9 is on the minus strand). VCF-style: chr3-64631917-T-G. GRCh37 (hg19) VCF-style: chr3-64617593-T-G.
Other names: c.2100A>C, p.Gly700= (NM_001318781.2).
Identifiers: ClinVar variation 3034475 (VCV003034475.2), dbSNP rs772143752, ClinGen allele CA2481275.
Genomic context (GRCh38, chr3:64,631,917, plus strand): 5'-ATCGCCACCACAAACCCCACATTTATCTCTCCGGGCTTTTGAGTTTAAAACATGATCGCA[T>G]CCAGCTTGCTTTTAAAAAGAAAAGATTTGAAATAAATGTAAGCATTATAGAGATTATAAA-3'
Protein context (NP_891550.1, residues 718-738): ICVQGLCRQA[Gly728=]CDHVLNSKAR